The following is an entry in ClinVar:

ClinVar aggregate classification (germline): Conflicting classifications of pathogenicity. Review status: criteria provided, conflicting classifications (1 of 4 stars). 2 submissions from 2 submitters: Likely pathogenic (1); Uncertain significance (1). Last evaluated 2024-08-30.

Conditions:
Autosomal recessive limb-girdle muscular dystrophy type 2J (LGMDR10). Also called: Limb-girdle muscular dystrophy, type 2J; MUSCULAR DYSTROPHY, LIMB-GIRDLE, AUTOSOMAL RECESSIVE 10. Identifiers: Orphanet 140922, MedGen C1837342, MONDO:0012127, OMIM 608807.
Dilated cardiomyopathy 1G (CMD1G). Identifiers: Orphanet 154, MedGen C1858763, MONDO:0011400, OMIM 604145.

Submissions (2):

GeneDx
Classification: Uncertain significance. Last evaluated: 2024-08-30. Review status: criteria provided, single submitter. Criteria: GeneDx Variant Classification Process June 2021. Collection method: clinical testing. Allele origin: germline. Affected: yes.
Comment: Not observed at significant frequency in large population cohorts (gnomAD); Nonsense variant predicted to result in protein truncation or nonsense mediated decay in a gene or region of a gene for which loss of function is not a well-established mechanism of disease; Has not been previously published as pathogenic or benign to our knowledge; This variant is associated with the following publications: (PMID: 27625338, 27869827, 23975875)

Labcorp Genetics (formerly Invitae), Labcorp
Classification: Likely pathogenic for Dilated cardiomyopathy 1G; Autosomal recessive limb-girdle muscular dystrophy type 2J. Last evaluated: 2023-11-08. Review status: criteria provided, single submitter. Criteria: Invitae Variant Classification Sherloc (09022015). Collection method: clinical testing. Allele origin: germline.
Comment: This sequence change creates a premature translational stop signal (p.Trp8204*) in the TTN gene. While this is not anticipated to result in nonsense mediated decay, it is expected to create a truncated TTN protein. This variant is not present in population databases (gnomAD no frequency). This variant has not been reported in the literature in individuals affected with TTN-related conditions. Algorithms developed to predict the effect of sequence changes on RNA splicing suggest that this variant may disrupt the consensus splice site. This variant is located in the I band of TTN (PMID: 25589632). Truncating variants in this region have been reported in individuals affected with autosomal recessive centronuclear myopathy (PMID: 23975875). Truncating variants in this region have also been identified in individuals affected with autosomal dominant dilated cardiomyopathy and/or cardio-related conditions (PMID: 27869827, 32964742). In summary, the currently available evidence indicates that the variant is pathogenic, but additional data are needed to prove that conclusively. Therefore, this variant has been classified as Likely Pathogenic.

Literature cited by the submitters: PubMed 25589632 (cited by Labcorp Genetics (formerly Invitae), Labcorp); PubMed 23975875 (cited by Labcorp Genetics (formerly Invitae), Labcorp); PubMed 27869827 (cited by Labcorp Genetics (formerly Invitae), Labcorp); PubMed 32964742 (cited by Labcorp Genetics (formerly Invitae), Labcorp).

NM_001267550.2(TTN):c.24611G>A (p.Trp8204Ter)

Gene: TTN (titin; minus strand). Cytogenetic location: 2q31.2.
Variant type: single nucleotide variant.
Coding change: c.24611G>A on transcript NM_001267550.2 (MANE Select); coding-DNA position 24611, G replaced by A.
Protein change: p.Trp8204Ter; replaces tryptophan 8204 with a stop codon.
Molecular consequence: nonsense. On other transcripts: intron variant (3).
Genome position (GRCh38, 1-based): chr2:178,718,495, C>T on the plus strand (G>A on the coding strand, the complement: TTN is on the minus strand). VCF-style: chr2-178718495-C-T. GRCh37 (hg19) VCF-style: chr2-179583222-C-T.
Other names: c.23660G>A, p.Trp7887Ter (NM_001256850.1); c.20879G>A, p.Trp6960Ter (NM_133378.4); c.13282+19587G>A (NM_003319.4); c.13858+19587G>A (NM_133437.4); c.13657+19587G>A (NM_133432.3); short protein forms W6960*, W7887*, W8204*.
Identifiers: ClinVar variation 2953316 (VCV002953316.4), dbSNP rs2529261059, ClinGen allele CA349498037.
Genomic context (GRCh38, chr2:178,718,495, plus strand): 5'-TTTTCTGTCATAGTAATACTGCATCTCTCAGATTGTGAAATAAGATACTCGTCCTTTATC[C>T]AGCTCACTGAGATTGGAGGTGTGCCAGTGTATGTGGCCTCGAGAACTATGGGGCTTCCTG-3'